The following is an entry in ClinVar:

ClinVar aggregate classification (germline): Benign/Likely benign. Review status: criteria provided, multiple submitters, no conflicts (2 of 4 stars). 14 submissions from 14 submitters: Benign (1); Likely benign (12). 1 of the submissions does not count toward it. Last evaluated 2026-10-01.

Conditions:
PKP2-related disorder. Also called: PKP2-related condition.
Cardiovascular phenotype. Identifiers: MedGen CN230736.
Cardiomyopathy (CMYO). Also called: Cardiomyopathies. Identifiers: Orphanet 167848, MedGen C0878544, MONDO:0004994, HP:0001638. Inheritance: Various modes of inheritance.
Arrhythmogenic right ventricular cardiomyopathy (ARVD). Also called: Arrhythmogenic cardiomyopathy; Arrhythmogenic Right Ventricular Cardiomyopathy (ARVC); Cardiomyopathy, ARVC; Arrhythmogenic right ventricular dysplasia. Identifiers: Orphanet 247, MedGen C0349788, MeSH D019571, MONDO:0016587. Disease mechanism: loss of function. Inheritance: Various modes of inheritance.
Arrhythmogenic right ventricular dysplasia 9 (ARVD9). Also called: ARRHYTHMOGENIC RIGHT VENTRICULAR DYSPLASIA, FAMILIAL, 9; Arrhythmogenic Right Ventricular Dysplasia/Cardiomyopathy 9. Identifiers: MedGen C1836906, MONDO:0012180, OMIM 609040.

Allele frequency attached by ClinVar (database versions not stated): ESP Exome Variant Server 0.00008; gnomAD exomes 0.00010 and 0.00036; gnomAD 0.00016; ExAC 0.00021; TOPMed 0.00037; 1000 Genomes Project 0.00060; 1000 Genomes Project 30x 0.00062.
gnomAD v4.1: 176 of 1,613,916 alleles (0.011%); highest among the groups gnomAD compares: Admixed American, 0.27%; 3 homozygotes.

Submissions (14):

CeGaT Center for Human Genetics Tuebingen
Classification: Likely benign. Last evaluated: 2026-10-01. Review status: criteria provided, single submitter. Criteria: CeGaT Center For Human Genetics Tuebingen Variant Classification Criteria Version 2. Collection method: clinical testing. Allele origin: germline. Affected: yes. Observed: 3 variant alleles.
Comment: PKP2: BP4, BS1

Labcorp Genetics (formerly Invitae), Labcorp
Classification: Likely benign for Arrhythmogenic right ventricular dysplasia 9. Last evaluated: 2026-01-28. Review status: criteria provided, single submitter. Criteria: Invitae Variant Classification Sherloc (09022015). Collection method: clinical testing. Allele origin: germline.

Women's Health and Genetics/Laboratory Corporation of America, LabCorp
Classification: Likely benign. Last evaluated: 2025-07-18. Review status: criteria provided, single submitter. Criteria: LabCorp Variant Classification Summary - May 2015. Collection method: clinical testing. Allele origin: germline.
Comment: Variant summary: PKP2 c.1636G>A (p.Ala546Thr) results in a non-conservative amino acid change in the encoded protein sequence. Algorithms developed to predict the effect of missense changes on protein structure and function are either unavailable or do not agree on the potential impact of this missense change. The variant allele was found at a frequency of 0.00036 in 251302 control chromosomes, predominantly at a frequency of 0.0026 within the Latino subpopulation in the gnomAD database, including 2 homozygotes. The observed variant frequency within Latino control individuals in the gnomAD database is approximately 4 fold of the estimated maximal expected allele frequency for a pathogenic variant in PKP2 causing Arrhythmogenic Right Ventricular Dysplasia/Cardiomyopathy phenotype (0.00065). c.1636G>A has been observed in one individual affected with Cardiomyopathy, co-occurring with other pathogenic variant (SCN5A c.5224G>A, p.Gly1742Arg), which provides supporting evidence for a benign role (Headrick_2019). To our knowledge, no experimental evidence demonstrating an impact on protein function has been reported. The following publication has been ascertained in the context of this evaluation (PMID: 30985088). ClinVar contains an entry for this variant (Variation ID: 178106). Based on the evidence outlined above, the variant was classified as likely benign.

Mayo Clinic Laboratories, Mayo Clinic
Classification: Likely benign. Last evaluated: 2025-05-20. Review status: criteria provided, single submitter. Criteria: ACMG Guidelines, 2015. Collection method: clinical testing. Allele origin: germline. Observed: 3 variant alleles.
Comment: BS1, BP4_moderate

Molecular Diagnostic Laboratory for Inherited Cardiovascular Disease, Montreal Heart Institute
Classification: Likely benign. Last evaluated: 2025-04-09. Review status: criteria provided, single submitter. Criteria: ACMG Guidelines, 2015. Collection method: clinical testing. Allele origin: germline. Affected: no.
Comment: BS1, BP4

All of Us Research Program, National Institutes of Health
Classification: Likely benign for Arrhythmogenic right ventricular cardiomyopathy. Last evaluated: 2024-09-23. Review status: criteria provided, single submitter. Criteria: ACMG Guidelines, 2015. Collection method: clinical testing. Allele origin: germline. Inheritance: Autosomal dominant inheritance. Observed: 78 variant alleles, 78 heterozygotes.
Comment: This study involves interpretation of variants in research participants for the purpose of population health screening. Participant phenotype was not available at the time of variant classification. Additional details can be found in publication PMID: 35346344, PMCID: PMC8962531

Blueprint Genetics
Classification: Likely benign. Last evaluated: 2024-07-12. Review status: criteria provided, single submitter. Criteria: ACMG Guidelines, 2015. Collection method: clinical testing. Allele origin: germline.

CHEO Genetics Diagnostic Laboratory, Children's Hospital of Eastern Ontario
Classification: Benign for Cardiomyopathy. Last evaluated: 2022-08-03. Review status: criteria provided, single submitter. Criteria: ACMG Guidelines, 2015. Collection method: clinical testing. Allele origin: germline.

GeneDx
Classification: Likely benign. Last evaluated: 2021-01-13. Review status: criteria provided, single submitter. Criteria: GeneDx Variant Classification Process June 2021. Collection method: clinical testing. Allele origin: germline. Affected: yes.
Comment: This variant is associated with the following publications: (PMID: 21636032)

Laboratory for Molecular Medicine, Mass General Brigham Personalized Medicine
Classification: Likely benign. Last evaluated: 2018-12-18. Review status: criteria provided, single submitter. Criteria: LMM Criteria. Collection method: clinical testing. Allele origin: germline. Observed: 5 variant alleles.
Comment: The p.Ala546Thr variant in PKP2 is classified as likely benign because it has be en identified in 0.3% (91/35440) of Latino chromosomes, including two homozygote s, by gnomAD. Alanine (Ala) at position 546 i s not conserved in mammals or evolutionarily distant species and the chinchilla carries a threonine (Thr) at this position, raising the possibility that a chang e at this position may be tolerated. Additional computational tools suggest that this variant may not impact the protein. ACMG/AMP Criteria applied: BS1, BP4.

Color Diagnostics, LLC DBA Color Health
Classification: Likely benign for Cardiomyopathy. Last evaluated: 2018-10-26. Review status: criteria provided, single submitter. Criteria: ACMG Guidelines, 2015. Collection method: clinical testing. Allele origin: germline.

Ambry Genetics
Classification: Likely benign for Cardiovascular phenotype. Last evaluated: 2017-03-08. Review status: criteria provided, single submitter. Criteria: Ambry Variant Classification Scheme 2023. Collection method: clinical testing. Allele origin: germline.

Breakthrough Genomics
Classification: Likely benign. Review status: criteria provided, single submitter. Criteria: ACMG Guidelines, 2015. Collection method: not provided. Allele origin: germline. Inheritance: Autosomal dominant inheritance. Affected: yes.

PreventionGenetics, part of Exact Sciences
Classification: Likely benign for PKP2-related condition. Last evaluated: 2019-07-10. Review status: no assertion criteria provided. Collection method: clinical testing. Allele origin: germline. Not counted in ClinVar's aggregate classification.
Comment: This variant is classified as likely benign based on ACMG/AMP sequence variant interpretation guidelines (Richards et al. 2015 PMID: 25741868, with internal and published modifications).

Literature cited by the submitters: PubMed 30985088 (cited by Women's Health and Genetics/Laboratory Corporation of America, LabCorp); PubMed 21636032 (cited by Laboratory for Molecular Medicine, Mass General Brigham Personalized Medicine and Ambry Genetics).

NM_001005242.3(PKP2):c.1504G>A (p.Ala502Thr)

Gene: PKP2 (plakophilin 2; minus strand). Cytogenetic location: 12p11.21.
Variant type: single nucleotide variant.
Coding change: c.1504G>A on transcript NM_001005242.3 (MANE Select); coding-DNA position 1504, G replaced by A.
Protein change: p.Ala502Thr; replaces alanine 502 with threonine.
Molecular consequence: missense variant.
Genome position (GRCh38, 1-based): chr12:32,841,080, C>T on the plus strand (G>A on the coding strand, the complement: PKP2 is on the minus strand). VCF-style: chr12-32841080-C-T. GRCh37 (hg19) VCF-style: chr12-32994014-C-T.
Other names: c.1636G>A, p.Ala546Thr (NM_004572.4); c.1504G>A (NM_001005242.2); short protein forms A546T, A502T.
Identifiers: ClinVar variation 178106 (VCV000178106.36), dbSNP rs368740836, ClinGen allele CA011254.
Genomic context (GRCh38, chr12:32,841,080, plus strand): 5'-AGCATTACCTTAGGCATCCAGTGACGTTGTAGAATATGTCAAAATCGAGCAAACCATTTG[C>T]TTTTGGGTAGTCTCCTTCAGGCCACCCAGAAAAGGGGATGATGATATTCTCCGTCAGCGT-3'
Protein context (NP_001005242.2, residues 492-512): SGWPEGDYPK[Ala502Thr]NGLLDFDIFY